The following is an entry in ClinVar:

ClinVar aggregate classification (germline): Likely pathogenic (1 of 4 stars; one submission).

Conditions:
Primary ciliary dyskinesia 23 (CILD23). Also called: CILIARY DYSKINESIA, PRIMARY, 23, WITH OR WITHOUT SITUS INVERSUS. Identifiers: Orphanet 244, MedGen C3809548, MONDO:0014193, OMIM 615451.

Allele frequency attached by ClinVar (database versions not stated): gnomAD exomes 0.00001; TOPMed 0.00008; gnomAD 0.00010.
gnomAD v4.1: 25 of 1,535,656 alleles (0.0016%); highest among the groups gnomAD compares: African/African-American, 0.035%; no homozygotes.

Submission:

Labcorp Genetics (formerly Invitae), Labcorp
Classification: Likely pathogenic for Primary ciliary dyskinesia 23. Last evaluated: 2024-10-29. Review status: criteria provided, single submitter. Criteria: Invitae Variant Classification Sherloc (09022015). Collection method: clinical testing. Allele origin: germline.
Comment: This sequence change affects an acceptor splice site in intron 6 of the ARMC4 gene. It is expected to disrupt RNA splicing. Variants that disrupt the donor or acceptor splice site typically lead to a loss of protein function (PMID: 16199547), and loss-of-function variants in ARMC4 are known to be pathogenic (PMID: 23849778). This variant is present in population databases (no rsID available, gnomAD 0.02%). Disruption of this splice site has been observed in individual(s) with clinical features of primary ciliary dyskinesia (internal data). ClinVar contains an entry for this variant (Variation ID: 1968886). Algorithms developed to predict the effect of sequence changes on RNA splicing suggest that this variant may disrupt the consensus splice site. In summary, the currently available evidence indicates that the variant is pathogenic, but additional data are needed to prove that conclusively. Therefore, this variant has been classified as Likely Pathogenic.

Literature cited by the submitters: PubMed 16199547; PubMed 23849778.

NM_018076.5(ODAD2):c.820-1G>A

Gene: ODAD2 (outer dynein arm docking complex subunit 2; minus strand). Cytogenetic location: 10p12.1.
Variant type: single nucleotide variant.
Coding change: c.820-1G>A on transcript NM_018076.5 (MANE Select); the canonical splice acceptor site of the intron before coding-DNA position 820, G replaced by A.
Molecular consequence: splice acceptor variant.
Genome position (GRCh38, 1-based): chr10:27,981,583, C>T on the plus strand (G>A on the coding strand, the complement: ODAD2 is on the minus strand). VCF-style: chr10-27981583-C-T. GRCh37 (hg19) VCF-style: chr10-28270512-C-T.
Other names: c.820-1G>A (NM_001290020.2); c.-105-1G>A (NM_001312689.2); c.-304-1G>A (NM_001290021.2).
Identifiers: ClinVar variation 1968886 (VCV001968886.5), dbSNP rs988722926, ClinGen allele CA204531663.